The following is an entry in ClinVar:

NM_031372.4(HNRNPDL):c.899C>T (p.Ser300Phe)

Gene: HNRNPDL (heterogeneous nuclear ribonucleoprotein D like; minus strand). Cytogenetic location: 4q21.22.
Variant type: single nucleotide variant.
Coding change: c.899C>T on transcript NM_031372.4 (MANE Select); coding-DNA position 899, C replaced by T.
Protein change: p.Ser300Phe; replaces serine 300 with phenylalanine.
Molecular consequence: missense variant. On other transcripts: non-coding transcript variant (1).
Genome position (GRCh38, 1-based): chr4:82,427,440, G>A on the plus strand (C>T on the coding strand, the complement: HNRNPDL is on the minus strand). VCF-style: chr4-82427440-G-A. GRCh37 (hg19) VCF-style: chr4-83348593-G-A.
Other names: c.899C>T, p.Ser300Phe (NM_001207000.1); short protein forms S300F.
Identifiers: ClinVar variation 3004955 (VCV003004955.3), dbSNP rs1247492921, ClinGen allele CA357169891.

ClinVar aggregate classification (germline): Uncertain significance (1 of 4 stars; one submission).

Conditions:
Autosomal dominant limb-girdle muscular dystrophy type 1G (LGMDD3). Also called: Limb-girdle muscular dystrophy, type 1G; MUSCULAR DYSTROPHY, LIMB-GIRDLE, AUTOSOMAL DOMINANT 3. Identifiers: Orphanet 55596, MedGen C1836765, MONDO:0012193, OMIM 609115.

Allele frequency attached by ClinVar (database versions not stated): TOPMed below 0.00001; gnomAD exomes 0.00001.
gnomAD v4.1: 11 of 1,601,780 alleles (0.00069%); highest among the groups gnomAD compares: Non-Finnish European, 0.00085%; no homozygotes.

Submission:

Labcorp Genetics (formerly Invitae), Labcorp
Classification: Uncertain significance for Autosomal dominant limb-girdle muscular dystrophy type 1G. Last evaluated: 2023-11-01. Review status: criteria provided, single submitter. Criteria: Invitae Variant Classification Sherloc (09022015). Collection method: clinical testing. Allele origin: germline.
Comment: This sequence change replaces serine, which is neutral and polar, with phenylalanine, which is neutral and non-polar, at codon 300 of the HNRNPDL protein (p.Ser300Phe). This variant is not present in population databases (gnomAD no frequency). This variant has not been reported in the literature in individuals affected with HNRNPDL-related conditions. An algorithm developed to predict the effect of missense changes on protein structure and function (PolyPhen-2) suggests that this variant is likely to be disruptive. In summary, the available evidence is currently insufficient to determine the role of this variant in disease. Therefore, it has been classified as a Variant of Uncertain Significance.